The following is an entry in ClinVar:

ClinVar aggregate classification (germline): Uncertain significance (1 of 4 stars; one submission).

Conditions:
Werner syndrome (WRN). Identifiers: Orphanet 902, MedGen C0043119, MONDO:0010196, OMIM 277700.

Allele frequency attached by ClinVar (database versions not stated): gnomAD exomes below 0.00001.
gnomAD v4.1: 1 of 1,613,222 alleles (0.000062%); highest among the groups gnomAD compares: East Asian, 0.0022%; no homozygotes.

Submission:

Labcorp Genetics (formerly Invitae), Labcorp
Classification: Uncertain significance for Werner syndrome. Last evaluated: 2021-11-07. Review status: criteria provided, single submitter. Criteria: Invitae Variant Classification Sherloc (09022015). Collection method: clinical testing. Allele origin: germline.
Comment: In summary, the available evidence is currently insufficient to determine the role of this variant in disease. Therefore, it has been classified as a Variant of Uncertain Significance. Algorithms developed to predict the effect of missense changes on protein structure and function are either unavailable or do not agree on the potential impact of this missense change (SIFT: "Not Available"; PolyPhen-2: "Benign"; Align-GVGD: "Not Available"). This variant has not been reported in the literature in individuals affected with WRN-related conditions. This variant is not present in population databases (gnomAD no frequency). This sequence change replaces methionine, which is neutral and non-polar, with valine, which is neutral and non-polar, at codon 930 of the WRN protein (p.Met930Val).

NM_000553.6(WRN):c.2788A>G (p.Met930Val)

Gene: WRN (WRN RecQ like helicase; plus strand). Cytogenetic location: 8p12.
Variant type: single nucleotide variant.
Coding change: c.2788A>G on transcript NM_000553.6 (MANE Select); coding-DNA position 2788, A replaced by G.
Protein change: p.Met930Val; replaces methionine 930 with valine.
Molecular consequence: missense variant.
Genome position (GRCh38, 1-based): chr8:31,124,963, A>G. VCF-style: chr8-31124963-A-G. GRCh37 (hg19) VCF-style: chr8-30982479-A-G.
Other names: short protein forms M930V.
Identifiers: ClinVar variation 1391911 (VCV001391911.6), dbSNP rs2130344654, ClinGen allele CA370917740.